The following is an entry in ClinVar:

NM_001164277.2(SLC37A4):c.*5A>C

Gene: SLC37A4 (solute carrier family 37 member 4; minus strand). Cytogenetic location: 11q23.3.
Variant type: single nucleotide variant.
Coding change: c.*5A>C on transcript NM_001164277.2 (MANE Select); 5 bases downstream of the stop codon, A replaced by C.
Molecular consequence: 3 prime UTR variant.
Genome position (GRCh38, 1-based): chr11:119,024,905, T>G on the plus strand (A>C on the coding strand, the complement: SLC37A4 is on the minus strand). VCF-style: chr11-119024905-T-G. GRCh37 (hg19) VCF-style: chr11-118895615-T-G.
Other names: c.*5A>C (NM_001164278.2, NM_001164279.2, NM_001164280.2 and 1 more transcripts).
Identifiers: ClinVar variation 302703 (VCV000302703.7), dbSNP rs373050741, ClinGen allele CA6311572.

ClinVar aggregate classification (germline): Uncertain significance. Review status: criteria provided, single submitter (1 of 4 stars). 2 submissions from 2 submitters: Uncertain significance (1). 1 of the submissions does not count toward it. Last evaluated 2018-01-13.

Conditions:
SLC37A4-related disorder. Also called: SLC37A4-related condition.
Glycogen storage disease, type I. Identifiers: Orphanet 364, MedGen C0017920, MONDO:0002413.

Allele frequency attached by ClinVar (database versions not stated): ExAC 0.00001; TOPMed 0.00001; ESP Exome Variant Server 0.00008.

Submissions (2):

Illumina Laboratory Services, Illumina
Classification: Uncertain significance for Glycogen storage disease, type I. Last evaluated: 2018-01-13. Review status: criteria provided, single submitter. Criteria: ICSL Variant Classification Criteria 13 December 2019. Collection method: clinical testing. Allele origin: germline.

PreventionGenetics, part of Exact Sciences
Classification: Likely benign for SLC37A4-related condition. Last evaluated: 2024-02-21. Review status: no assertion criteria provided. Collection method: clinical testing. Allele origin: germline. Not counted in ClinVar's aggregate classification.
Comment: This variant is classified as likely benign based on ACMG/AMP sequence variant interpretation guidelines (Richards et al. 2015 PMID: 25741868, with internal and published modifications).